The following is an entry in ClinVar:

ClinVar aggregate classification (germline): Uncertain significance (1 of 4 stars; one submission).

Submission:

GeneDx
Classification: Uncertain significance. Last evaluated: 2024-04-12. Review status: criteria provided, single submitter. Criteria: GeneDx Variant Classification Process June 2021. Collection method: clinical testing. Allele origin: germline. Affected: yes.
Comment: Not observed at significant frequency in large population cohorts (gnomAD); In silico analysis is inconclusive as to whether the variant alters gene splicing. In the absence of RNA/functional studies, the actual effect of this sequence change is unknown.; Has not been previously published as pathogenic or benign to our knowledge

NM_004204.5(PIGQ):c.942+3G>C

Gene: PIGQ (phosphatidylinositol glycan anchor biosynthesis class Q; plus strand). Cytogenetic location: 16p13.3.
Variant type: single nucleotide variant.
Coding change: c.942+3G>C on transcript NM_004204.5 (MANE Select); 3 bases into the intron after coding-DNA position 942, G replaced by C.
Molecular consequence: intron variant.
Genome position (GRCh38, 1-based): chr16:576,257, G>C. VCF-style: chr16-576257-G-C. GRCh37 (hg19) VCF-style: chr16-626257-G-C.
Other names: c.942+3G>C (NM_148920.4).
Identifiers: ClinVar variation 3372272 (VCV003372272.1).